The following is an entry in ClinVar:

ClinVar aggregate classification (germline): Conflicting classifications of pathogenicity. Review status: criteria provided, conflicting classifications (1 of 4 stars). 2 submissions from 2 submitters: Uncertain significance (1); Likely benign (1). Last evaluated 2024-11-01.

Conditions:
Inborn genetic diseases. Identifiers: MedGen C0950123, MeSH D030342.

Allele frequency attached by ClinVar (database versions not stated): gnomAD exomes 0.00040; TOPMed 0.00045; ExAC 0.00063; 1000 Genomes Project 30x 0.00016; 1000 Genomes Project 0.00020; gnomAD 0.00030; ESP Exome Variant Server 0.00031.
gnomAD v4.1: 643 of 1,606,172 alleles (0.04%); highest among the groups gnomAD compares: Middle Eastern, 0.4%; no homozygotes.

Submissions (2):

CeGaT Center for Human Genetics Tuebingen
Classification: Likely benign. Last evaluated: 2024-11-01. Review status: criteria provided, single submitter. Criteria: CeGaT Center For Human Genetics Tuebingen Variant Classification Criteria Version 2. Collection method: clinical testing. Allele origin: germline. Affected: yes. Observed: 1 variant allele.
Comment: LNPK: BP4

Ambry Genetics
Classification: Uncertain significance for Inborn genetic diseases. Last evaluated: 2021-09-16. Review status: criteria provided, single submitter. Criteria: Ambry Variant Classification Scheme 2023. Collection method: clinical testing. Allele origin: germline.

NM_030650.3(LNPK):c.742A>G (p.Ile248Val)

Gene: LNPK (lunapark, ER junction formation factor; minus strand). Cytogenetic location: 2q31.1.
Variant type: single nucleotide variant.
Coding change: c.742A>G on transcript NM_030650.3 (MANE Select); coding-DNA position 742, A replaced by G.
Protein change: p.Ile248Val; replaces isoleucine 248 with valine.
Molecular consequence: missense variant. On other transcripts: non-coding transcript variant (1).
Genome position (GRCh38, 1-based): chr2:175,939,622, T>C on the plus strand (A>G on the coding strand, the complement: LNPK is on the minus strand). VCF-style: chr2-175939622-T-C. GRCh37 (hg19) VCF-style: chr2-176804350-T-C.
Other names: c.940A>G, p.Ile314Val (NM_001305008.1); c.835A>G, p.Ile279Val (NM_001305009.1); c.748A>G, p.Ile250Val (NM_001305010.1); c.373A>G, p.Ile125Val (NM_001305011.2); short protein forms I125V, I248V, I314V, I279V, I250V.
Identifiers: ClinVar variation 3119475 (VCV003119475.15), dbSNP rs201848822, ClinGen allele CA1975901.
Genomic context (GRCh38, chr2:175,939,622, plus strand): 5'-GACCATCACCAACCAAATATTCAACAATTCTATCCAAAGCACCTCGTTCTCGGGGGAGAA[T>C]AGGTCTTGCTAAAGGTGGACCTGGAGGATGAAGACCTATTAAATAAATAAATACATACAA-3'
Protein context (NP_085153.1, residues 238-258): HPPGPPLARP[Ile248Val]LPRERGALDR